The following is an entry in ClinVar:

NM_002098.6(GUCA1B):c.*780C>T

Gene: GUCA1B (guanylate cyclase activator 1B; minus strand). Cytogenetic location: 6p21.1.
Variant type: single nucleotide variant.
Coding change: c.*780C>T on transcript NM_002098.6 (MANE Select); 780 bases downstream of the stop codon, C replaced by T.
Molecular consequence: 3 prime UTR variant.
Genome position (GRCh38, 1-based): chr6:42,184,035, G>A on the plus strand (C>T on the coding strand, the complement: GUCA1B is on the minus strand). VCF-style: chr6-42184035-G-A. GRCh37 (hg19) VCF-style: chr6-42151773-G-A.
Identifiers: ClinVar variation 356711 (VCV000356711.5), dbSNP rs144675650, ClinGen allele CA10622086.
Genomic context (GRCh38, chr6:42,184,035, plus strand): 5'-TGAGGATGCCTTGGGGAGGAGGAGGCCAGGGTCCTCCCCATGAACGCCCCTCAGCATCCC[G>A]GAAGTTATAGAATTATTGCTGCCCCCTGCCCCCCAAAACTCCTGCCTTTTCTTTTCTTTC-3'

ClinVar aggregate classification (germline): Benign (1 of 4 stars; one submission).

Conditions:
Retinitis pigmentosa (RP). Identifiers: Orphanet 791, MedGen C0035334, MeSH D012174, MONDO:0019200, OMIM 268000. Inheritance: Autosomal dominant, autosomal recessive and X linked inheritance.

Allele frequency attached by ClinVar (database versions not stated): 1000 Genomes Project 30x 0.00422; gnomAD 0.00424 and 0.00455; TOPMed 0.00450; 1000 Genomes Project 0.00459.

Submission:

Illumina Laboratory Services, Illumina
Classification: Benign for Retinitis pigmentosa. Last evaluated: 2018-01-13. Review status: criteria provided, single submitter. Criteria: ICSL Variant Classification Criteria 13 December 2019. Collection method: clinical testing. Allele origin: germline.
Comment: This variant was observed in the ICSL laboratory as part of a predisposition screen in an ostensibly healthy population. It had not been previously curated by ICSL or reported in the Human Gene Mutation Database (HGMD: prior to June 1st, 2018), and was therefore a candidate for classification through an automated scoring system. Utilizing variant allele frequency, disease prevalence and penetrance estimates, and inheritance mode, an automated score was calculated to assess if this variant is too frequent to cause the disease. Based on the score and internal cut-off values, a variant classified as benign is not then subjected to further curation. The score for this variant resulted in a classification of benign for this disease.